The following is an entry in ClinVar:

ClinVar aggregate classification (germline): Uncertain significance. Review status: criteria provided, multiple submitters, no conflicts (2 of 4 stars). 2 submissions from 2 submitters: Uncertain significance (2). Last evaluated 2025-05-25.

Conditions:
Hereditary cancer-predisposing syndrome. Also called: Hereditary Cancer Syndrome; Hereditary neoplastic syndrome; Neoplastic Syndromes, Hereditary; Tumor predisposition. Identifiers: Orphanet 140162, MedGen C0027672, MeSH D009386, MONDO:0015356.
Rhabdoid tumor predisposition syndrome 2 (RTPS2). Identifiers: Orphanet 231108, Orphanet 69077, MedGen C2750074, MONDO:0013224, OMIM 613325.

Allele frequency attached by ClinVar (database versions not stated): TOPMed below 0.00001; gnomAD 0.00001.

Submissions (2):

Labcorp Genetics (formerly Invitae), Labcorp
Classification: Uncertain significance for Rhabdoid tumor predisposition syndrome 2. Last evaluated: 2025-05-25. Review status: criteria provided, single submitter. Criteria: Invitae Variant Classification Sherloc (09022015). Collection method: clinical testing. Allele origin: germline.
Comment: This sequence change replaces serine, which is neutral and polar, with glycine, which is neutral and non-polar, at codon 1469 of the SMARCA4 protein (p.Ser1469Gly). This variant is not present in population databases (gnomAD no frequency). This variant has not been reported in the literature in individuals affected with SMARCA4-related conditions. ClinVar contains an entry for this variant (Variation ID: 1740354). Invitae Evidence Modeling of protein sequence and biophysical properties (such as structural, functional, and spatial information, amino acid conservation, physicochemical variation, residue mobility, and thermodynamic stability) indicates that this missense variant is not expected to disrupt SMARCA4 protein function with a negative predictive value of 80%. In summary, the available evidence is currently insufficient to determine the role of this variant in disease. Therefore, it has been classified as a Variant of Uncertain Significance.

Ambry Genetics
Classification: Uncertain significance for Hereditary cancer-predisposing syndrome. Last evaluated: 2020-01-27. Review status: criteria provided, single submitter. Criteria: Ambry Variant Classification Scheme 2023. Collection method: clinical testing. Allele origin: germline.
Comment: The p.S1469G variant (also known as c.4405A>G), located in coding exon 30 of the SMARCA4 gene, results from an A to G substitution at nucleotide position 4405. The serine at codon 1469 is replaced by glycine, an amino acid with similar properties. This amino acid position is not well conserved in available vertebrate species. In addition, this alteration is predicted to be tolerated by in silico analysis. Since supporting evidence is limited at this time, the clinical significance of this alteration remains unclear.

NM_003072.5(SMARCA4):c.4309A>G (p.Ser1437Gly)

Gene: SMARCA4 (SWI/SNF related BAF chromatin remodeling complex subunit ATPase 4; plus strand). Cytogenetic location: 19p13.2.
Variant type: single nucleotide variant.
Coding change: c.4309A>G on transcript NM_003072.5 (MANE Select); coding-DNA position 4309, A replaced by G.
Protein change: p.Ser1437Gly; replaces serine 1437 with glycine.
Molecular consequence: missense variant. On other transcripts: non-coding transcript variant (1).
Genome position (GRCh38, 1-based): chr19:11,041,445, A>G. VCF-style: chr19-11041445-A-G. GRCh37 (hg19) VCF-style: chr19-11152121-A-G.
Other names: c.4309A>G, p.Ser1437Gly (NM_001128844.3); c.4219A>G, p.Ser1407Gly (NM_001128845.2, NM_001128846.2); c.4405A>G, p.Ser1469Gly (NM_001387283.1, NM_001128849.3); c.4306A>G, p.Ser1436Gly (NM_001411150.1); c.4210A>G, p.Ser1404Gly (NM_001128847.4, NM_001128848.2, NM_001374457.1); short protein forms S1404G, S1407G, S1469G, S1437G, S1436G.
Identifiers: ClinVar variation 1740354 (VCV001740354.3), dbSNP rs1259634257, ClinGen allele CA404073762.
Genomic context (GRCh38, chr19:11,041,445, plus strand): 5'-AGCGACGCCGGCTCCTCCACCCCGACCACCAGCACCCGCAGCCGCGACAAGGACGACGAG[A>G]GCAAGAAGCAGAAGAAGCGCGGGCGGCCGCCTGCCGAGAAACTCTCCCCTAACCCACCCA-3'
Protein context (NP_003063.2, residues 1427-1447): STRSRDKDDE[Ser1437Gly]KKQKKRGRPP